The following is an entry in ClinVar:

NM_015915.5(ATL1):c.1418T>C (p.Ile473Thr)

Gene: ATL1 (atlastin GTPase 1; plus strand). Cytogenetic location: 14q22.1.
Variant type: single nucleotide variant.
Coding change: c.1418T>C on transcript NM_015915.5 (MANE Select); coding-DNA position 1418, T replaced by C.
Protein change: p.Ile473Thr; replaces isoleucine 473 with threonine.
Molecular consequence: missense variant.
Genome position (GRCh38, 1-based): chr14:50,628,329, T>C. VCF-style: chr14-50628329-T-C. GRCh37 (hg19) VCF-style: chr14-51095047-T-C.
Other names: c.1418T>C, p.Ile473Thr (NM_001127713.1, NM_181598.4); short protein forms I473T.
Identifiers: ClinVar variation 4705326 (VCV004705326.1).
Genomic context (GRCh38, chr14:50,628,329, plus strand): 5'-TAGTCATCTTTATCACATATGTGATTGCTGGTGTGACTGGATTCATTGGTTTGGACATCA[T>C]AGCTAGCCTATGCAATATGATAATGGGACTGACCCTTATCACCCTGTGCACTTGGGCATA-3'
Protein context (NP_056999.2, residues 463-483): GVTGFIGLDI[Ile473Thr]ASLCNMIMGL

ClinVar aggregate classification (germline): Uncertain significance (1 of 4 stars; one submission).

Conditions:
Hereditary spastic paraplegia 3A (SPG3A). Also called: SPASTIC PARAPLEGIA 3, AUTOSOMAL DOMINANT; FAMILIAL SPASTIC PARAPLEGIA, AUTOSOMAL DOMINANT, 1; SPG3; STRUMPELL DISEASE; Spastic Paraplegia 3A; Spastic paraplegia 3A, autosomal dominant. Identifiers: Orphanet 100984, MedGen C2931355, MONDO:0008437, OMIM 182600.

Submission:

Labcorp Genetics (formerly Invitae), Labcorp
Classification: Uncertain significance for Hereditary spastic paraplegia 3A. Last evaluated: 2025-07-31. Review status: criteria provided, single submitter. Criteria: Invitae Variant Classification Sherloc (09022015). Collection method: clinical testing. Allele origin: germline.
Comment: This sequence change replaces isoleucine, which is neutral and non-polar, with threonine, which is neutral and polar, at codon 473 of the ATL1 protein (p.Ile473Thr). This variant is not present in population databases (gnomAD no frequency). This variant has not been reported in the literature in individuals affected with ATL1-related conditions. Invitae Evidence Modeling of protein sequence and biophysical properties (such as structural, functional, and spatial information, amino acid conservation, physicochemical variation, residue mobility, and thermodynamic stability) has been performed for this missense variant. However, the output from this modeling did not meet the statistical confidence thresholds required to predict the impact of this variant on ATL1 protein function. In summary, the available evidence is currently insufficient to determine the role of this variant in disease. Therefore, it has been classified as a Variant of Uncertain Significance.